The following is an entry in ClinVar:

ClinVar aggregate classification (germline): Uncertain significance. Review status: criteria provided, multiple submitters, no conflicts (2 of 4 stars). 2 submissions from 2 submitters: Uncertain significance (2). Last evaluated 2024-10-18.

Conditions:
Nemaline myopathy 2 (NEM2). Also called: Nemaline myopathy 2, autosomal recessive. Identifiers: MedGen C1850569, MONDO:0009725, OMIM 256030.

Submissions (2):

Labcorp Genetics (formerly Invitae), Labcorp
Classification: Uncertain significance for Nemaline myopathy 2. Last evaluated: 2024-10-18. Review status: criteria provided, single submitter. Criteria: Invitae Variant Classification Sherloc (09022015). Collection method: clinical testing. Allele origin: germline.
Comment: This sequence change replaces alanine, which is neutral and non-polar, with threonine, which is neutral and polar, at codon 2438 of the NEB protein (p.Ala2438Thr). This variant is not present in population databases (gnomAD no frequency). This variant has not been reported in the literature in individuals affected with NEB-related conditions. ClinVar contains an entry for this variant (Variation ID: 429406). Experimental studies and prediction algorithms are not available or were not evaluated, and the functional significance of this variant is currently unknown. In summary, the available evidence is currently insufficient to determine the role of this variant in disease. Therefore, it has been classified as a Variant of Uncertain Significance.

GeneDx
Classification: Uncertain significance. Last evaluated: 2017-05-08. Review status: criteria provided, single submitter. Criteria: GeneDx Variant Classification (06012015). Collection method: clinical testing. Allele origin: germline. Affected: yes.
Comment: The A2438T variant in the NEB gene has not been reported previously as a pathogenic variant, nor as a benign variant, to our knowledge. The A2438T variant is not observed in large population cohorts (Lek et al., 2016; 1000 Genomes Consortium et al., 2015; Exome Variant Server). The A2438T variant is a non-conservative amino acid substitution, which is likely to impact secondary protein structure as these residues differ in polarity, charge, size and/or other properties. This substitution occurs at a position that is conserved across species, but in silico analysis is inconsistent in its predictions as to whether or not the variant is damaging to the protein structure/function. We interpret A2438T as a variant of uncertain significance.

NM_001164508.2(NEB):c.7312G>A (p.Ala2438Thr)

Gene: NEB (nebulin; minus strand). Cytogenetic location: 2q23.3.
Variant type: single nucleotide variant.
Coding change: c.7312G>A on transcript NM_001164508.2 (MANE Select); coding-DNA position 7312, G replaced by A.
Protein change: p.Ala2438Thr; replaces alanine 2438 with threonine.
Molecular consequence: missense variant.
Genome position (GRCh38, 1-based): chr2:151,650,295, C>T on the plus strand (G>A on the coding strand, the complement: NEB is on the minus strand). VCF-style: chr2-151650295-C-T. GRCh37 (hg19) VCF-style: chr2-152506809-C-T.
Other names: c.7312G>A, p.Ala2438Thr (NM_001164507.2, NM_001271208.2, NM_004543.5); short protein forms A2438T.
Identifiers: ClinVar variation 429406 (VCV000429406.6), dbSNP rs202233025, ClinGen allele CA348788264.